The following is an entry in ClinVar:

ClinVar aggregate classification (germline): Uncertain significance. Review status: criteria provided, multiple submitters, no conflicts (2 of 4 stars). 3 submissions from 3 submitters: Uncertain significance (3). Last evaluated 2025-01-12.

Conditions:
Hereditary spastic paraplegia 11. Also called: SPASTIC PARAPLEGIA, AUTOSOMAL RECESSIVE, COMPLICATED, WITH THIN CORPUS CALLOSUM; SPASTIC PARAPLEGIA, AUTOSOMAL RECESSIVE, WITH MENTAL IMPAIRMENT AND THIN CORPUS CALLOSUM; Spastic Paraplegia 11; Nakamura Osame syndrome; Autosomal recessive hereditary spastic paraplegia, mental impairment, and thin corpus callosum; Spastic paraplegia, mental retardation and thin corpus callosum. Identifiers: Orphanet 2822, MedGen C1858479, MONDO:0011445, OMIM 604360.

Allele frequency attached by ClinVar (database versions not stated): gnomAD 0.00001; ExAC 0.00002; gnomAD exomes 0.00002 and 0.00001; TOPMed 0.00001.
gnomAD v4.1: 22 of 1,612,188 alleles (0.0014%); highest among the groups gnomAD compares: South Asian, 0.0066%; no homozygotes.

Submissions (3):

GeneDx
Classification: Uncertain significance. Last evaluated: 2025-01-12. Review status: criteria provided, single submitter. Criteria: GeneDx Variant Classification Process June 2021. Collection method: clinical testing. Allele origin: germline. Affected: yes.
Comment: Reported previously with a second variant in a patient with sporadic amyotrophic lateral sclerosis; however, no further clinical or segregation information was provided (PMID: 37223130); Not observed at significant frequency in large population cohorts (gnomAD); In silico analysis supports that this missense variant has a deleterious effect on protein structure/function; In silico analysis is inconclusive as to whether the variant alters gene splicing. In the absence of RNA/functional studies, the actual effect of this sequence change is unknown.; This variant is associated with the following publications: (PMID: 37223130)

Blueprint Genetics
Classification: Uncertain significance. Last evaluated: 2024-09-18. Review status: criteria provided, single submitter. Criteria: ACMG Guidelines, 2015. Collection method: clinical testing. Allele origin: germline.

Labcorp Genetics (formerly Invitae), Labcorp
Classification: Uncertain significance for Hereditary spastic paraplegia 11. Last evaluated: 2022-07-25. Review status: criteria provided, single submitter. Criteria: Invitae Variant Classification Sherloc (09022015). Collection method: clinical testing. Allele origin: germline.
Comment: This sequence change replaces arginine, which is basic and polar, with cysteine, which is neutral and slightly polar, at codon 769 of the SPG11 protein (p.Arg769Cys). This variant is present in population databases (rs758119635, gnomAD 0.006%). This variant has not been reported in the literature in individuals affected with SPG11-related conditions. ClinVar contains an entry for this variant (Variation ID: 534835). Algorithms developed to predict the effect of missense changes on protein structure and function are either unavailable or do not agree on the potential impact of this missense change (SIFT: "Deleterious"; PolyPhen-2: "Probably Damaging"; Align-GVGD: "Class C0"). Algorithms developed to predict the effect of sequence changes on RNA splicing suggest that this variant may disrupt the consensus splice site. In summary, the available evidence is currently insufficient to determine the role of this variant in disease. Therefore, it has been classified as a Variant of Uncertain Significance.

NM_025137.4(SPG11):c.2305C>T (p.Arg769Cys)

Gene: SPG11 (SPG11 vesicle trafficking associated, spatacsin; minus strand). Cytogenetic location: 15q21.1.
Variant type: single nucleotide variant.
Coding change: c.2305C>T on transcript NM_025137.4 (MANE Select); coding-DNA position 2305, C replaced by T.
Protein change: p.Arg769Cys; replaces arginine 769 with cysteine.
Molecular consequence: missense variant.
Genome position (GRCh38, 1-based): chr15:44,622,739, G>A on the plus strand (C>T on the coding strand, the complement: SPG11 is on the minus strand). VCF-style: chr15-44622739-G-A. GRCh37 (hg19) VCF-style: chr15-44914937-G-A.
Other names: c.2305C>T, p.Arg769Cys (NM_001160227.2); short protein forms R769C.
Identifiers: ClinVar variation 534835 (VCV000534835.8), dbSNP rs758119635, ClinGen allele CA7535295.